The following is an entry in ClinVar:

NM_001242896.3(DEPDC5):c.3214G>A (p.Glu1072Lys)

Gene: DEPDC5 (DEP domain containing 5, GATOR1 subcomplex subunit; plus strand). Cytogenetic location: 22q12.3.
Variant type: single nucleotide variant.
Coding change: c.3214G>A on transcript NM_001242896.3 (MANE Select); coding-DNA position 3214, G replaced by A.
Protein change: p.Glu1072Lys; replaces glutamic acid 1072 with lysine.
Molecular consequence: missense variant. On other transcripts: non-coding transcript variant (5).
Genome position (GRCh38, 1-based): chr22:31,857,503, G>A. VCF-style: chr22-31857503-G-A. GRCh37 (hg19) VCF-style: chr22-32253489-G-A.
Other names: c.3187G>A, p.Glu1063Lys (NM_001136029.4, NM_001369903.1, NM_014662.6); c.2980G>A, p.Glu994Lys (NM_001242897.2, NM_001363854.2, NM_001364319.2); c.3214G>A, p.Glu1072Lys (NM_001363852.2, NM_001364318.2, NM_001364320.2); c.3130G>A, p.Glu1044Lys (NM_001369901.1, NM_001369902.1); short protein forms E1044K, E1063K, E1072K, E994K.
Identifiers: ClinVar variation 3603783 (VCV003603783.2).

ClinVar aggregate classification (germline): Uncertain significance (1 of 4 stars; one submission).

Conditions:
Familial focal epilepsy with variable foci (FPEVF). Identifiers: Orphanet 98820, MedGen C1858477, MONDO:0020310.

Submission:

Labcorp Genetics (formerly Invitae), Labcorp
Classification: Uncertain significance for Familial focal epilepsy with variable foci. Last evaluated: 2024-04-08. Review status: criteria provided, single submitter. Criteria: Invitae Variant Classification Sherloc (09022015). Collection method: clinical testing. Allele origin: germline.
Comment: This sequence change replaces glutamic acid, which is acidic and polar, with lysine, which is basic and polar, at codon 1072 of the DEPDC5 protein (p.Glu1072Lys). This variant is not present in population databases (gnomAD no frequency). This variant has not been reported in the literature in individuals affected with DEPDC5-related conditions. Experimental studies and prediction algorithms are not available or were not evaluated, and the functional significance of this variant is currently unknown. In summary, the available evidence is currently insufficient to determine the role of this variant in disease. Therefore, it has been classified as a Variant of Uncertain Significance.